The following is an entry in ClinVar:

ClinVar aggregate classification (germline): Uncertain significance (1 of 4 stars; one submission).

Conditions:
Primary ciliary dyskinesia. Also called: Ciliary dyskinesia. Identifiers: Orphanet 244, MedGen C0008780, MONDO:0016575, HP:0012265.

Allele frequency attached by ClinVar (database versions not stated): gnomAD exomes 0.00001; ExAC 0.00003; TOPMed 0.00005; gnomAD 0.00006 and 0.00007.
gnomAD v4.1: 23 of 1,611,820 alleles (0.0014%); highest among the groups gnomAD compares: African/African-American, 0.013%; no homozygotes.

Submission:

Labcorp Genetics (formerly Invitae), Labcorp
Classification: Uncertain significance for Primary ciliary dyskinesia. Last evaluated: 2022-10-17. Review status: criteria provided, single submitter. Criteria: Invitae Variant Classification Sherloc (09022015). Collection method: clinical testing. Allele origin: germline.
Comment: This sequence change replaces arginine, which is basic and polar, with glutamine, which is neutral and polar, at codon 506 of the DNAI2 protein (p.Arg506Gln). The frequency data for this variant in the population databases is considered unreliable, as metrics indicate poor data quality at this position in the gnomAD database. This variant has not been reported in the literature in individuals affected with DNAI2-related conditions. ClinVar contains an entry for this variant (Variation ID: 1349515). Advanced modeling of protein sequence and biophysical properties (such as structural, functional, and spatial information, amino acid conservation, physicochemical variation, residue mobility, and thermodynamic stability) has been performed at Invitae for this missense variant, however the output from this modeling did not meet the statistical confidence thresholds required to predict the impact of this variant on DNAI2 protein function. In summary, the available evidence is currently insufficient to determine the role of this variant in disease. Therefore, it has been classified as a Variant of Uncertain Significance.

NM_023036.6(DNAI2):c.1517G>A (p.Arg506Gln)

Gene: DNAI2 (dynein axonemal intermediate chain 2; plus strand). Cytogenetic location: 17q25.1.
Variant type: single nucleotide variant.
Coding change: c.1517G>A on transcript NM_023036.6 (MANE Select); coding-DNA position 1517, G replaced by A.
Protein change: p.Arg506Gln; replaces arginine 506 with glutamine.
Molecular consequence: missense variant. On other transcripts: non-coding transcript variant (1).
Genome position (GRCh38, 1-based): chr17:74,312,025, G>A. VCF-style: chr17-74312025-G-A. GRCh37 (hg19) VCF-style: chr17-72308164-G-A.
Other names: c.1481G>A, p.Arg494Gln (NM_001172810.3); c.1517G>A, p.Arg506Gln (NM_001353167.2); short protein forms R494Q, R506Q.
Identifiers: ClinVar variation 1349515 (VCV001349515.5), dbSNP rs758710603, ClinGen allele CA8745822.
Genomic context (GRCh38, chr17:74,312,025, plus strand): 5'-CTCTCCCCACCGGGCTCTCTCTGTCCCTGGGTGCCCAGATGTTTGAGCGTGAGACCCGGC[G>A]AGAGAAGATCCTGGAGGCCAGGCACCGGGAGATGCGGCTGAAGGAGAAGGGTAAGGCGGA-3'
Protein context (NP_075462.3, residues 496-516): ASSMFERETR[Arg506Gln]EKILEARHRE